The following is an entry in ClinVar:

NM_001372066.1(TFAP2A):c.1074A>G (p.Arg358=)

Gene: TFAP2A (transcription factor AP-2 alpha; minus strand). Cytogenetic location: 6p24.3.
Variant type: single nucleotide variant.
Coding change: c.1074A>G on transcript NM_001372066.1 (MANE Select); coding-DNA position 1074, A replaced by G.
Protein change: p.Arg358=; no amino-acid change (arginine 358 retained).
Molecular consequence: synonymous variant.
Genome position (GRCh38, 1-based): chr6:10,398,663, T>C on the plus strand (A>G on the coding strand, the complement: TFAP2A is on the minus strand). VCF-style: chr6-10398663-T-C. GRCh37 (hg19) VCF-style: chr6-10398896-T-C.
Other names: c.1050A>G, p.Arg350= (NM_001032280.3); c.1056A>G, p.Arg352= (NM_001042425.3).
Identifiers: ClinVar variation 4085622 (VCV004085622.8).

ClinVar aggregate classification (germline): Likely benign (1 of 4 stars; one submission).

Submission:

CeGaT Center for Human Genetics Tuebingen
Classification: Likely benign. Last evaluated: 2025-07-01. Review status: criteria provided, single submitter. Criteria: CeGaT Center For Human Genetics Tuebingen Variant Classification Criteria Version 2. Collection method: clinical testing. Allele origin: germline. Affected: yes. Observed: 1 variant allele.
Comment: TFAP2A: PM2:Supporting, BP4, BP7